The following is an entry in ClinVar:

NM_000038.6(APC):c.2057del (p.Asn686fs)

Gene: APC (APC regulator of Wnt signaling pathway; plus strand). Cytogenetic location: 5q22.2.
Variant type: Deletion.
Coding change: c.2057del on transcript NM_000038.6 (MANE Select); coding-DNA position 2057, one base deleted (A; older notation c.2057delA).
Protein change: p.Asn686fs; shifts the reading frame from asparagine 686.
Molecular consequence: frameshift variant.
Genome position (GRCh38, 1-based): chr5:112,837,651, A deleted; the last of 2 consecutive A bases (chr5:112,837,650-112,837,651); deleting either gives the same sequence. VCF-style (leftmost placement, unchanged base first): chr5-112837649-GA-G. GRCh37 (hg19) VCF-style: chr5-112173346-GA-G.
Other names: c.2057del, p.Asn686fs (NM_001127510.3, NM_001354895.2); c.2003del, p.Asn668fs (NM_001127511.3); c.2111del, p.Asn704fs (NM_001354896.2); c.2087del, p.Asn696fs (NM_001354897.2); c.1982del, p.Asn661fs (NM_001354898.2); c.1973del, p.Asn658fs (NM_001354899.2); c.1934del, p.Asn645fs (NM_001354900.2); c.1880del, p.Asn627fs (NM_001354901.2); and 5 more; short protein forms N526fs, N661fs, N627fs, N645fs, N658fs, N686fs, N704fs, N560fs.
Identifiers: ClinVar variation 947264 (VCV000947264.12), dbSNP rs1765098084, ClinGen allele CA1139655905.

ClinVar aggregate classification (germline): Pathogenic. Review status: criteria provided, multiple submitters, no conflicts (2 of 4 stars). 2 submissions from 2 submitters: Pathogenic (2). Last evaluated 2023-05-03.

Conditions:
Familial adenomatous polyposis 1 (FAP1). Also called: FAMILIAL ADENOMATOUS POLYPOSIS 1, ATTENUATED; POLYPOSIS, ADENOMATOUS INTESTINAL. Identifiers: MedGen C2713442, MONDO:0021056, OMIM 175100. Disease mechanism: loss of function.

Submissions (2):

Myriad Genetics, Inc.
Classification: Pathogenic for Familial adenomatous polyposis 1. Last evaluated: 2023-05-03. Review status: criteria provided, single submitter. Criteria: Myriad Autosomal Dominant, Autosomal Recessive and X-Linked Classification Criteria (2023). Collection method: clinical testing. Allele origin: unknown.
Comment: This variant is considered pathogenic. This variant creates a frameshift predicted to result in premature protein truncation.

Labcorp Genetics (formerly Invitae), Labcorp
Classification: Pathogenic for Familial adenomatous polyposis 1. Last evaluated: 2019-08-17. Review status: criteria provided, single submitter. Criteria: Invitae Variant Classification Sherloc (09022015). Collection method: clinical testing. Allele origin: germline.
Comment: This variant has not been reported in the literature in individuals with APC-related conditions. A different truncation (p.Tyr2645Lysfs*14) that lies downstream of this variant has been determined to be pathogenic (PMID: 9824584, 1316610, 27081525, 8381579, 22135120, Invitae). This suggests that deletion of this region of the APC protein is causative of disease. For these reasons, this variant has been classified as Pathogenic. This variant is expected to disrupt the EB1 and HDLG binding sites, which mediate interactions with the cytoskeleton (PMID: 15311282, 17293347). While functional studies have not been performed to directly test the effect on APC protein function, this suggests that disruption of the C-terminal portion of the protein is functionally important. This variant is not present in population databases (ExAC no frequency). This sequence change results in a premature translational stop signal in the APC gene (p.Asn686Ilefs*32). While this is not anticipated to result in nonsense mediated decay, it is expected to disrupt the last 2158 amino acids of the APC protein.

Literature cited by the submitters: PubMed 9824584 (cited by Labcorp Genetics (formerly Invitae), Labcorp); PubMed 1316610 (cited by Labcorp Genetics (formerly Invitae), Labcorp); PubMed 27081525 (cited by Labcorp Genetics (formerly Invitae), Labcorp); PubMed 8381579 (cited by Labcorp Genetics (formerly Invitae), Labcorp); PubMed 22135120 (cited by Labcorp Genetics (formerly Invitae), Labcorp); PubMed 15311282 (cited by Labcorp Genetics (formerly Invitae), Labcorp); PubMed 17293347 (cited by Labcorp Genetics (formerly Invitae), Labcorp).